The following is an entry in ClinVar:

NM_152281.3(GORAB):c.511A>G (p.Ile171Val)

Gene: GORAB (golgin, RAB6 interacting; plus strand). Cytogenetic location: 1q24.2.
Variant type: single nucleotide variant.
Coding change: c.511A>G on transcript NM_152281.3 (MANE Select); coding-DNA position 511, A replaced by G.
Protein change: p.Ile171Val; replaces isoleucine 171 with valine.
Molecular consequence: missense variant. On other transcripts: non-coding transcript variant (1).
Genome position (GRCh38, 1-based): chr1:170,542,582, A>G. VCF-style: chr1-170542582-A-G. GRCh37 (hg19) VCF-style: chr1-170511723-A-G.
Other names: c.511A>G, p.Ile171Val (NM_001146039.2); c.46A>G, p.Ile16Val (NM_001320252.2); c.460A>G, p.Ile154Val (NM_001410894.1); short protein forms I16V, I154V, I171V.
Identifiers: ClinVar variation 4747914 (VCV004747914.1).

ClinVar aggregate classification (germline): Uncertain significance (1 of 4 stars; one submission).

gnomAD v4.1: 3 of 1,611,346 alleles (0.00019%); highest among the groups gnomAD compares: Non-Finnish European, 0.00025%; no homozygotes.

Submission:

Labcorp Genetics (formerly Invitae), Labcorp
Classification: Uncertain significance. Last evaluated: 2025-10-26. Review status: criteria provided, single submitter. Criteria: Invitae Variant Classification Sherloc (09022015). Collection method: clinical testing. Allele origin: germline.
Comment: This sequence change replaces isoleucine, which is neutral and non-polar, with valine, which is neutral and non-polar, at codon 196 of the GORAB protein (p.Ile196Val). This variant is not present in population databases (gnomAD no frequency). This variant has not been reported in the literature in individuals affected with GORAB-related conditions. An algorithm developed to predict the effect of missense changes on protein structure and function (PolyPhen-2) suggests that this variant is likely to be disruptive. In summary, the available evidence is currently insufficient to determine the role of this variant in disease. Therefore, it has been classified as a Variant of Uncertain Significance.